The following is an entry in ClinVar:

NM_001754.5(RUNX1):c.63C>A (p.Cys21Ter)

Gene: RUNX1 (RUNX family transcription factor 1; minus strand). Cytogenetic location: 21q22.12.
Variant type: single nucleotide variant.
Coding change: c.63C>A on transcript NM_001754.5 (MANE Select); coding-DNA position 63, C replaced by A.
Protein change: p.Cys21Ter; replaces cysteine 21 with a stop codon.
Molecular consequence: nonsense.
Genome position (GRCh38, 1-based): chr21:34,892,959, G>T on the plus strand (C>A on the coding strand, the complement: RUNX1 is on the minus strand). VCF-style: chr21-34892959-G-T. GRCh37 (hg19) VCF-style: chr21-36265256-G-T.
Other names: NM_001754.5(RUNX1):c.63C>A; p.Cys21Ter; short protein forms C21*.
Identifiers: ClinVar variation 2163996 (VCV002163996.7), dbSNP rs2517536220, ClinGen allele CA410205780.

ClinVar aggregate classification (germline): Uncertain significance. Review status: reviewed by expert panel (3 of 4 stars). 3 submissions from 3 submitters: Uncertain significance (1). 2 of the submissions do not count toward it. Last evaluated 2025-01-15.

Conditions:
Hereditary thrombocytopenia and hematologic cancer predisposition syndrome. Identifiers: Orphanet 71290, MedGen CN281654, MONDO:0011071.
Inborn genetic diseases. Identifiers: MedGen C0950123, MeSH D030342.
Hereditary thrombocytopenia and hematological cancer predisposition syndrome associated with RUNX1. Also called: Familial Platelet Disorder with Propensity to Acute Myelogenous Leukemia; Familial thrombocytopenia with propensity to acute myelogenous leukemia; RUNX1 Familial Platelet Disorder with Associated Myeloid Malignancies; PLATELET DISORDER, ASPIRIN-LIKE. Identifiers: Orphanet 71290, MedGen C1832388, MeSH C563324, MONDO:0100083, OMIM 601399.

Submissions (3):

ClinGen Myeloid Malignancy Variant Curation Expert Panel
Classification: Uncertain significance for Hereditary thrombocytopenia and hematologic cancer predisposition syndrome. Last evaluated: 2025-01-15. Review status: reviewed by expert panel. Criteria: ClinGen MyeloMalig ACMG Specifications v2. Collection method: curation. Allele origin: germline. Inheritance: Autosomal dominant inheritance.
Comment: NM_001754.5(RUNX1):c.63C>A (p.Cys21Ter) is a nonsense variant which occurs in an exon which is not present in isoforms b or c (PVS1 not applicable). This variant is completely absent from all population databases with at least 20x coverage for RUNX1 (PM2_supporting). In summary, the clinical significance of this variant is uncertain. ACMG/AMP criteria applied, as specified by the Myeloid Malignancy Variant Curation Expert Panel for RUNX1: PM2_supporting.

Ambry Genetics
Classification: Uncertain significance for Inborn genetic diseases. Last evaluated: 2026-08-19. Review status: criteria provided, single submitter. Criteria: Ambry Variant Classification Scheme 2023. Collection method: clinical testing. Allele origin: germline. Not counted in ClinVar's aggregate classification.
Comment: The p.C21* variant (also known as c.63C>A), located in coding exon 2 of the RUNX1 gene, results from a C to A substitution at nucleotide position 63. This changes the amino acid from a cysteine to a stop codon within coding exon 2. This region of the gene is excluded from other biologically relevant transcripts. Based on the available evidence, the clinical significance of this variant remains unclear.

Labcorp Genetics (formerly Invitae), Labcorp
Classification: Uncertain significance for Hereditary thrombocytopenia and hematological cancer predisposition syndrome associated with RUNX1. Last evaluated: 2022-05-17. Review status: criteria provided, single submitter. Criteria: Invitae Variant Classification Sherloc (09022015). Collection method: clinical testing. Allele origin: germline. Not counted in ClinVar's aggregate classification.
Comment: In summary, the available evidence is currently insufficient to determine the role of this variant in disease. Therefore, it has been classified as a Variant of Uncertain Significance. This variant has not been reported in the literature in individuals affected with RUNX1-related conditions. This variant is not present in population databases (gnomAD no frequency). This sequence change creates a premature translational stop signal (p.Cys21*) in the RUNX1 gene. However, it is currently unclear if variants that occur in this region of the gene cause disease.